The following is an entry in ClinVar:

ClinVar aggregate classification (germline): Uncertain significance (1 of 4 stars; one submission).

Conditions:
Charcot-Marie-Tooth disease type 4. Also called: Charcot-Marie-Tooth disease, type IV; Charcot-Marie-Tooth, Type 4. Identifiers: Orphanet 64749, MedGen C4082197, MONDO:0018995.

Submission:

Labcorp Genetics (formerly Invitae), Labcorp
Classification: Uncertain significance for Charcot-Marie-Tooth disease type 4. Last evaluated: 2024-09-09. Review status: criteria provided, single submitter. Criteria: Invitae Variant Classification Sherloc (09022015). Collection method: clinical testing. Allele origin: germline.
Comment: This sequence change falls in intron 14 of the MTMR2 gene. It does not directly change the encoded amino acid sequence of the MTMR2 protein. It affects a nucleotide within the consensus splice site. This variant is not present in population databases (gnomAD no frequency). This variant has not been reported in the literature in individuals affected with MTMR2-related conditions. Variants that disrupt the consensus splice site are a relatively common cause of aberrant splicing (PMID: 17576681, 9536098). Algorithms developed to predict the effect of sequence changes on RNA splicing suggest that this variant may disrupt the consensus splice site. In summary, the available evidence is currently insufficient to determine the role of this variant in disease. Therefore, it has been classified as a Variant of Uncertain Significance.

Literature cited by the submitters: PubMed 17576681; PubMed 9536098.

NM_016156.6(MTMR2):c.1770+4_1770+5insCACA

Gene: MTMR2 (myotubularin related protein 2; minus strand). Cytogenetic location: 11q21.
Variant type: Insertion.
Coding change: c.1770+4_1770+5insCACA on transcript NM_016156.6 (MANE Select); bases 4 to 5 of the intron after coding-DNA position 1770, CACA inserted.
Molecular consequence: intron variant.
Genome position: GRCh38 VCF-style: chr11-95836143-C-CTGTG. GRCh37 (hg19) VCF-style: chr11-95569307-C-CTGTG.
Other names: c.1554+4_1554+5insCACA (NM_201281.3, NM_201278.3, NM_001243571.2).
Identifiers: ClinVar variation 3667373 (VCV003667373.2).